The following is an entry in ClinVar:

ClinVar aggregate classification (germline): Uncertain significance. Review status: criteria provided, multiple submitters, no conflicts (2 of 4 stars). 2 submissions from 2 submitters: Uncertain significance (2). Last evaluated 2024-04-11.

Conditions:
Charcot-Marie-Tooth disease type 2E (CMT2E). Also called: CHARCOT-MARIE-TOOTH DISEASE, AXONAL, TYPE 2E; CHARCOT-MARIE-TOOTH NEUROPATHY, TYPE 2E. Identifiers: Orphanet 99939, MedGen C1843225, MONDO:0011894, OMIM 607684.

gnomAD v4.1: 3 of 1,608,222 alleles (0.00019%); highest among the groups gnomAD compares: Non-Finnish European, 0.00017%; no homozygotes.

Submissions (2):

Labcorp Genetics (formerly Invitae), Labcorp
Classification: Uncertain significance for Charcot-Marie-Tooth disease type 2E. Last evaluated: 2024-04-11. Review status: criteria provided, single submitter. Criteria: Invitae Variant Classification Sherloc (09022015). Collection method: clinical testing. Allele origin: germline.
Comment: This sequence change replaces serine, which is neutral and polar, with glycine, which is neutral and non-polar, at codon 215 of the NEFL protein (p.Ser215Gly). This variant is not present in population databases (gnomAD no frequency). This variant has not been reported in the literature in individuals affected with NEFL-related conditions. Advanced modeling of protein sequence and biophysical properties (such as structural, functional, and spatial information, amino acid conservation, physicochemical variation, residue mobility, and thermodynamic stability) performed at Invitae indicates that this missense variant is not expected to disrupt NEFL protein function with a negative predictive value of 80%. In summary, the available evidence is currently insufficient to determine the role of this variant in disease. Therefore, it has been classified as a Variant of Uncertain Significance.

Blueprint Genetics
Classification: Uncertain significance. Last evaluated: 2023-03-16. Review status: criteria provided, single submitter. Criteria: ACMG Guidelines, 2015. Collection method: clinical testing. Allele origin: germline.

NM_006158.5(NEFL):c.643A>G (p.Ser215Gly)

Gene: NEFL (neurofilament light chain; minus strand). Cytogenetic location: 8p21.2.
Variant type: single nucleotide variant.
Coding change: c.643A>G on transcript NM_006158.5 (MANE Select); coding-DNA position 643, A replaced by G.
Protein change: p.Ser215Gly; replaces serine 215 with glycine.
Molecular consequence: missense variant.
Genome position (GRCh38, 1-based): chr8:24,955,873, T>C on the plus strand (A>G on the coding strand, the complement: NEFL is on the minus strand). VCF-style: chr8-24955873-T-C. GRCh37 (hg19) VCF-style: chr8-24813387-T-C.
Other names: short protein forms S215G.
Identifiers: ClinVar variation 3697676 (VCV003697676.3).